The following is an entry in ClinVar:

NM_001244008.2(KIF1A):c.3380T>C (p.Ile1127Thr)

Gene: KIF1A (kinesin family member 1A; minus strand). Cytogenetic location: 2q37.3.
Variant type: single nucleotide variant.
Coding change: c.3380T>C on transcript NM_001244008.2 (MANE Select); coding-DNA position 3380, T replaced by C.
Protein change: p.Ile1127Thr; replaces isoleucine 1127 with threonine.
Molecular consequence: missense variant.
Genome position (GRCh38, 1-based): chr2:240,745,512, A>G on the plus strand (T>C on the coding strand, the complement: KIF1A is on the minus strand). VCF-style: chr2-240745512-A-G. GRCh37 (hg19) VCF-style: chr2-241684929-A-G.
Other names: c.3104T>C, p.Ile1035Thr (NM_001320705.2, NM_001330289.2, NM_001379638.1); c.3179T>C, p.Ile1060Thr (NM_001330290.2, NM_001379634.1, NM_001379635.1 and 1 more transcripts); c.3455T>C, p.Ile1152Thr (NM_001379631.1); c.3329T>C, p.Ile1110Thr (NM_001379632.1); c.3353T>C, p.Ile1118Thr (NM_001379633.1, NM_001379642.1, NM_001379645.1); c.3077T>C, p.Ile1026Thr (NM_001379636.1, NM_001379639.1, NM_001379641.1 and 5 more transcripts); c.3152T>C, p.Ile1051Thr (NM_001379637.1, NM_001379648.1); c.3074T>C, p.Ile1025Thr (NM_001379640.1); and 1 more; short protein forms I1025T, I1026T, I1035T, I1051T, I1060T, I1110T, I1118T, I1127T.
Identifiers: ClinVar variation 974920 (VCV000974920.3), dbSNP rs1559495436, ClinGen allele CA351317613.
Genomic context (GRCh38, chr2:240,745,512, plus strand): 5'-GGGGGGCCTCTGCCTGTGTTCTTCAGGGGCTCTGTGGAGAAGGCCTCGTCGTGGCGGTGG[A>G]TGAAGCTGCAAAGCAGAGGAGATGCTTTGGTGTGGGGTGGGGGACTTGGGATGAGACCTT-3'
Protein context (NP_001230937.1, residues 1117-1137): YADIFCQFNF[Ile1127Thr]HRHDEAFSTE

ClinVar aggregate classification (germline): Uncertain significance. Review status: criteria provided, multiple submitters, no conflicts (2 of 4 stars). 2 submissions from 2 submitters: Uncertain significance (2). Last evaluated 2023-08-07.

Conditions:
Hereditary spastic paraplegia 30. Identifiers: Orphanet 101010, MedGen C5235139, MONDO:0012476.

Allele frequency attached by ClinVar (database versions not stated): gnomAD exomes below 0.00001.
gnomAD v4.1: 1 of 1,610,698 alleles (0.000062%); highest among the groups gnomAD compares: Non-Finnish European, 0.000085%; no homozygotes.

Submissions (2):

GeneDx
Classification: Uncertain significance. Last evaluated: 2023-08-07. Review status: criteria provided, single submitter. Criteria: GeneDx Variant Classification Process June 2021. Collection method: clinical testing. Allele origin: germline.
Comment: Reported in a heterozygous state in an individual with hereditary spastic paraplegia in published literature (Citterio et al., 2015); In silico analysis supports that this missense variant has a deleterious effect on protein structure/function; This variant is associated with the following publications: (PMID: 35622471, 26410750)

SIB Swiss Institute of Bioinformatics
Classification: Uncertain significance for Spastic paraplegia 30A, autosomal dominant. Last evaluated: 2020-06-15. Review status: criteria provided, single submitter. Criteria: ACMG Guidelines, 2015. Collection method: curation. Allele origin: unknown.
Comment: This variant is interpreted as a variant of uncertain significance for spastic paraplegia 30, autosomal dominant. The following ACMG Tag(s) were applied: Absent from controls (or at extremely low frequency if recessive) in Exome Sequencing Project, 1000 Genomes Project, or Exome Aggregation Consortium (PM2 downgraded to supporting); Missense variant in a gene that has a low rate of benign missense variation and in which missense variants are a common mechanism of disease (PP2); Multiple lines of computational evidence support a deleterious effect on the gene or gene product (PP3).

Literature cited by the submitters: PubMed 26410750 (cited by SIB Swiss Institute of Bioinformatics).